The following is an entry in ClinVar:

NM_000093.5(COL5A1):c.547_576dup (p.Asp192_Arg193insCysLysLysLysThrThrLysPheLeuAsp)

Gene: COL5A1 (collagen type V alpha 1 chain; plus strand). Cytogenetic location: 9q34.3.
Variant type: Duplication.
Coding change: c.547_576dup on transcript NM_000093.5 (MANE Select); coding-DNA positions 547 to 576, 30 bases duplicated (TGTAAAAAGAAGACCACCAAATTCCTCGAC).
Protein change: p.Asp192_Arg193insCysLysLysLysThrThrLysPheLeuAsp.
Molecular consequence: inframe insertion.
Genome position (GRCh38, 1-based): chr9:134,701,226-134,701,255, TGTAAAAAGAAGACCACCAAATTCCTCGAC duplicated; duplicating any 30 consecutive bases within chr9:134,701,218-134,701,255 gives the same sequence; the c. name uses the placement nearest the transcript's 3' end. VCF-style (leftmost placement, unchanged base first): chr9-134701217-A-ATCCTCGACTGTAAAAAGAAGACCACCAAAT. GRCh37 (hg19) VCF-style: chr9-137593063-A-ATCCTCGACTGTAAAAAGAAGACCACCAAAT.
Other names: c.547_576dup (NM_000093.3); c.547_576dup, p.Asp192_Arg193insCysLysLysLysThrThrLysPheLeuAsp (NM_001278074.1).
Identifiers: ClinVar variation 2765030 (VCV002765030.4), dbSNP rs2491267754, ClinGen allele CA2697558189.

ClinVar aggregate classification (germline): Uncertain significance. Review status: criteria provided, multiple submitters, no conflicts (2 of 4 stars). 2 submissions from 2 submitters: Uncertain significance (2). Last evaluated 2024-01-04.

Conditions:
Ehlers-Danlos syndrome, classic type, 1 (EDSCL1). Also called: EHLERS-DANLOS SYNDROME, GRAVIS TYPE; EHLERS-DANLOS SYNDROME, SEVERE CLASSIC TYPE; Ehlers-Danlos syndrome, type 1; Ehlers-Danlos Syndrome, Classic Type, COL5A1-Related; EDS I. Identifiers: MedGen C0268335, MONDO:0019567, OMIM 130000.

Submissions (2):

GeneDx
Classification: Uncertain significance. Last evaluated: 2024-01-04. Review status: criteria provided, single submitter. Criteria: GeneDx Variant Classification Process June 2021. Collection method: clinical testing. Allele origin: germline. Affected: yes.
Comment: Has not been previously published as pathogenic or benign to our knowledge; Not observed at significant frequency in large population cohorts (gnomAD); In-frame duplication of 10 amino acids in a non-repeat region

Labcorp Genetics (formerly Invitae), Labcorp
Classification: Uncertain significance for Ehlers-Danlos syndrome, classic type, 1. Last evaluated: 2023-10-04. Review status: criteria provided, single submitter. Criteria: Invitae Variant Classification Sherloc (09022015). Collection method: clinical testing. Allele origin: germline.
Comment: This variant, c.547_576dup, results in the insertion of 10 amino acid(s) of the COL5A1 protein (p.Cys183_Asp192dup), but otherwise preserves the integrity of the reading frame. This variant is not present in population databases (gnomAD no frequency). This variant has not been reported in the literature in individuals affected with COL5A1-related conditions. Experimental studies and prediction algorithms are not available or were not evaluated, and the functional significance of this variant is currently unknown. In summary, the available evidence is currently insufficient to determine the role of this variant in disease. Therefore, it has been classified as a Variant of Uncertain Significance.